The following is an entry in ClinVar:

ClinVar aggregate classification (germline): Uncertain significance. Review status: criteria provided, multiple submitters, no conflicts (2 of 4 stars). 2 submissions from 2 submitters: Uncertain significance (2). Last evaluated 2024-01-24.

Allele frequency attached by ClinVar (database versions not stated): TOPMed below 0.00001; gnomAD exomes 0.00001.
gnomAD v4.1: 15 of 1,613,860 alleles (0.00093%); highest among the groups gnomAD compares: Non-Finnish European, 0.001%; no homozygotes.

Submissions (2):

Ambry Genetics
Classification: Uncertain significance. Last evaluated: 2024-01-24. Review status: criteria provided, single submitter. Criteria: Ambry Variant Classification Scheme 2023. Collection method: clinical testing. Allele origin: germline.

Labcorp Genetics (formerly Invitae), Labcorp
Classification: Uncertain significance. Last evaluated: 2024-01-10. Review status: criteria provided, single submitter. Criteria: Invitae Variant Classification Sherloc (09022015). Collection method: clinical testing. Allele origin: germline.
Comment: This sequence change replaces proline, which is neutral and non-polar, with serine, which is neutral and polar, at codon 1200 of the HMCN1 protein (p.Pro1200Ser). This variant is not present in population databases (gnomAD no frequency). This variant has not been reported in the literature in individuals affected with HMCN1-related conditions. An algorithm developed to predict the effect of missense changes on protein structure and function (PolyPhen-2) suggests that this variant is likely to be disruptive. In summary, the available evidence is currently insufficient to determine the role of this variant in disease. Therefore, it has been classified as a Variant of Uncertain Significance.

NM_031935.3(HMCN1):c.3598C>T (p.Pro1200Ser)

Gene: HMCN1 (hemicentin 1; plus strand). Cytogenetic location: 1q31.1.
Variant type: single nucleotide variant.
Coding change: c.3598C>T on transcript NM_031935.3 (MANE Select); coding-DNA position 3598, C replaced by T.
Protein change: p.Pro1200Ser; replaces proline 1200 with serine.
Molecular consequence: missense variant.
Genome position (GRCh38, 1-based): chr1:185,994,907, C>T. VCF-style: chr1-185994907-C-T. GRCh37 (hg19) VCF-style: chr1-185964039-C-T.
Other names: c.3598C>T (NM_031935.2); short protein forms P1200S.
Identifiers: ClinVar variation 2986338 (VCV002986338.4), dbSNP rs759226497, ClinGen allele CA33440304.